The following is an entry in ClinVar:

NM_006000.3(TUBA4A):c.483T>C (p.Tyr161=)

Gene: TUBA4A (tubulin alpha 4a; minus strand). Cytogenetic location: 2q35.
Variant type: single nucleotide variant.
Coding change: c.483T>C on transcript NM_006000.3 (MANE Select); coding-DNA position 483, T replaced by C.
Protein change: p.Tyr161=; no amino-acid change (tyrosine 161 retained).
Molecular consequence: synonymous variant.
Genome position (GRCh38, 1-based): chr2:219,251,216, A>G on the plus strand (T>C on the coding strand, the complement: TUBA4A is on the minus strand). VCF-style: chr2-219251216-A-G. GRCh37 (hg19) VCF-style: chr2-220115938-A-G.
Other names: c.438T>C, p.Tyr146= (NM_001278552.2).
Identifiers: ClinVar variation 4989335 (VCV004989335.1).
Genomic context (GRCh38, chr2:219,251,216, plus strand): 5'-CACGGCTGTAGACACCTGGGGGGCTGGGTAGATGGAGAATTCCAGCTTGGATTTCTTGCC[A>G]TAGTCAACAGAGAGCCGCTCCATCAGGAGTGAGGTGAAGCCAGAGCCAGTGCCCCCACCA-3'
Protein context (NP_005991.1, residues 151-171): SLLMERLSVD[Tyr161=]GKKSKLEFSI

ClinVar aggregate classification (germline): Likely benign (1 of 4 stars; one submission).

Conditions:
TUBA4A-related disorder. Also called: TUBA4A-related condition.

Submission:

PreventionGenetics, part of Exact Sciences
Classification: Likely benign for TUBA4A-related condition. Last evaluated: 2025-02-13. Review status: criteria provided, single submitter. Criteria: ACMG Guidelines, 2015. Collection method: clinical testing. Allele origin: germline.
Comment: This variant is classified as likely benign based on ACMG/AMP sequence variant interpretation guidelines (Richards et al. 2015 PMID: 25741868, with internal and published modifications).